The following is an entry in ClinVar:

ClinVar aggregate classification (germline): Likely benign. Review status: criteria provided, multiple submitters, no conflicts (2 of 4 stars). 9 submissions from 9 submitters: Likely benign (8). 1 of the submissions does not count toward it. Last evaluated 2026-09-21.

Conditions:
Ehlers-Danlos syndrome, classic type, 2 (EDSCL2). Also called: Ehlers-Danlos Syndrome, Classic Type, COL5A2-Related; Ehlers-Danlos syndrome, type 2; Ehlers-Danlos syndrome type 2 (formerly). Identifiers: Orphanet 287, Orphanet 90318, MedGen C0268336, MONDO:0019568, OMIM 130010.
Familial thoracic aortic aneurysm and aortic dissection (TAAD). Also called: Thoracic aortic aneurysms and dissections. Identifiers: Orphanet 91387, MedGen C4707243, MONDO:0019625.
Ehlers-Danlos syndrome, classic type, 1 (EDSCL1). Also called: Ehlers-Danlos Syndrome, Classic Type, COL5A1-Related; EHLERS-DANLOS SYNDROME, GRAVIS TYPE; EHLERS-DANLOS SYNDROME, SEVERE CLASSIC TYPE; Ehlers-Danlos syndrome, type 1; EDS I. Identifiers: MedGen C0268335, MONDO:0019567, OMIM 130000.
COL5A2-related disorder. Also called: COL5A2-related condition.
Ehlers-Danlos syndrome (EDS). Identifiers: Orphanet 98249, MedGen C0013720, MONDO:0020066.

Allele frequency attached by ClinVar (database versions not stated): gnomAD 0.00007 and 0.00008; ExAC 0.00011; TOPMed 0.00010; gnomAD exomes 0.00013.
gnomAD v4.1: 465 of 1,613,854 alleles (0.029%); highest among the groups gnomAD compares: Non-Finnish European, 0.037%; no homozygotes.

Submissions (9):

Molecular Diagnostic Laboratory for Inherited Cardiovascular Disease, Montreal Heart Institute
Classification: Likely benign. Last evaluated: 2026-09-21. Review status: criteria provided, single submitter. Criteria: ACMG Guidelines, 2015. Collection method: clinical testing. Allele origin: germline. Affected: no.

Labcorp Genetics (formerly Invitae), Labcorp
Classification: Likely benign for Ehlers-Danlos syndrome, classic type, 1. Last evaluated: 2026-02-03. Review status: criteria provided, single submitter. Criteria: Invitae Variant Classification Sherloc (09022015). Collection method: clinical testing. Allele origin: germline.

Blueprint Genetics
Classification: Likely benign. Last evaluated: 2024-10-17. Review status: criteria provided, single submitter. Criteria: ACMG Guidelines, 2015. Collection method: clinical testing. Allele origin: germline.

Ambry Genetics
Classification: Likely benign for Familial thoracic aortic aneurysm and aortic dissection. Last evaluated: 2022-06-06. Review status: criteria provided, single submitter. Criteria: Ambry Variant Classification Scheme 2023. Collection method: clinical testing. Allele origin: germline.

Fulgent Genetics
Classification: Likely benign for Ehlers-Danlos syndrome, classic type, 2. Last evaluated: 2021-08-10. Review status: criteria provided, single submitter. Criteria: ACMG Guidelines, 2015. Collection method: clinical testing. Allele origin: unknown.

Genome Diagnostics Laboratory, The Hospital for Sick Children
Classification: Likely benign for Ehlers-Danlos syndrome. Last evaluated: 2020-04-01. Review status: criteria provided, single submitter. Criteria: ACMG Guidelines, 2015. Collection method: clinical testing. Allele origin: germline.

GeneDx
Classification: Likely benign. Last evaluated: 2019-07-19. Review status: criteria provided, single submitter. Criteria: GeneDx Variant Classification Process June 2021. Collection method: clinical testing. Allele origin: germline. Affected: yes.

Illumina Laboratory Services, Illumina
Classification: Likely benign for Ehlers-Danlos syndrome, classic type, 2. Last evaluated: 2018-01-13. Review status: criteria provided, single submitter. Criteria: ICSL Variant Classification Criteria 13 December 2019. Collection method: clinical testing. Allele origin: germline.
Comment: This variant was observed in the ICSL laboratory as part of a predisposition screen in an ostensibly healthy population. It had not been previously curated by ICSL or reported in the Human Gene Mutation Database (HGMD: prior to June 1st, 2018), and was therefore a candidate for classification through an automated scoring system. Utilizing variant allele frequency, disease prevalence and penetrance estimates, and inheritance mode, an automated score was calculated to assess if this variant is too frequent to cause the disease. Based on the score and internal cut-off values, a variant classified as likely benign is not then subjected to further curation. The score for this variant resulted in a classification of likely benign for this disease.

PreventionGenetics, part of Exact Sciences
Classification: Likely benign for COL5A2-related condition. Last evaluated: 2022-08-24. Review status: no assertion criteria provided. Collection method: clinical testing. Allele origin: germline. Not counted in ClinVar's aggregate classification.
Comment: This variant is classified as likely benign based on ACMG/AMP sequence variant interpretation guidelines (Richards et al. 2015 PMID: 25741868, with internal and published modifications).

NM_000393.5(COL5A2):c.2895A>G (p.Pro965=)

Gene: COL5A2 (collagen type V alpha 2 chain; minus strand). Cytogenetic location: 2q32.2.
Variant type: single nucleotide variant.
Coding change: c.2895A>G on transcript NM_000393.5 (MANE Select); coding-DNA position 2895, A replaced by G.
Protein change: p.Pro965=; no amino-acid change (proline 965 retained).
Molecular consequence: synonymous variant.
Genome position (GRCh38, 1-based): chr2:189,051,356, T>C on the plus strand (A>G on the coding strand, the complement: COL5A2 is on the minus strand). VCF-style: chr2-189051356-T-C. GRCh37 (hg19) VCF-style: chr2-189916082-T-C.
Other names: c.2895A>G (NM_000393.4).
Identifiers: ClinVar variation 377736 (VCV000377736.28), dbSNP rs760946138, ClinGen allele CA2022155.
Genomic context (GRCh38, chr2:189,051,356, plus strand): 5'-CTGGAACGGATACGCCAAACTTACAGGTTGCCCATCTTCTCCTGGGTCCCCTTTGTCTCC[T>C]GGGCCACCAGGGGGGCCAGCTGGTCCTCGATCTCCCACACGCCCATGAGAGCCAGGGTCC-3'
Protein context (NP_000384.2, residues 955-975): DRGPAGPPGG[Pro965=]GDKGDPGEDG